The following is an entry in ClinVar:

ClinVar aggregate classification (germline): Uncertain significance (1 of 4 stars; one submission).

Submission:

GeneDx
Classification: Uncertain significance. Last evaluated: 2024-05-18. Review status: criteria provided, single submitter. Criteria: GeneDx Variant Classification Process June 2021. Collection method: clinical testing. Allele origin: germline. Affected: yes.
Comment: Not observed at significant frequency in large population cohorts (gnomAD); In silico analysis supports that this missense variant has a deleterious effect on protein structure/function; Has not been previously published as pathogenic or benign to our knowledge

NM_014754.3(PTDSS1):c.1130C>G (p.Ser377Cys)

Gene: PTDSS1 (phosphatidylserine synthase 1; plus strand). Cytogenetic location: 8q22.1.
Variant type: single nucleotide variant.
Coding change: c.1130C>G on transcript NM_014754.3 (MANE Select); coding-DNA position 1130, C replaced by G.
Protein change: p.Ser377Cys; replaces serine 377 with cysteine.
Molecular consequence: missense variant.
Genome position (GRCh38, 1-based): chr8:96,320,302, C>G. VCF-style: chr8-96320302-C-G. GRCh37 (hg19) VCF-style: chr8-97332530-C-G.
Other names: c.692C>G, p.Ser231Cys (NM_001290225.2); short protein forms S231C, S377C.
Identifiers: ClinVar variation 3378087 (VCV003378087.1).